The following is an entry in ClinVar:

NM_001375808.2(LPIN2):c.895C>T (p.Arg299Trp)

Gene: LPIN2 (lipin 2; minus strand). Cytogenetic location: 18p11.31.
Variant type: single nucleotide variant.
Coding change: c.895C>T on transcript NM_001375808.2 (MANE Select); coding-DNA position 895, C replaced by T.
Protein change: p.Arg299Trp; replaces arginine 299 with tryptophan.
Molecular consequence: missense variant.
Genome position (GRCh38, 1-based): chr18:2,937,965, G>A on the plus strand (C>T on the coding strand, the complement: LPIN2 is on the minus strand). VCF-style: chr18-2937965-G-A. GRCh37 (hg19) VCF-style: chr18-2937963-G-A.
Other names: c.895C>T, p.Arg299Trp (NM_001375809.1, NM_014646.2); short protein forms R299W.
Identifiers: ClinVar variation 1921292 (VCV001921292.2), dbSNP rs776274863, ClinGen allele CA8873255.

ClinVar aggregate classification (germline): Uncertain significance (1 of 4 stars; one submission).

Conditions:
Majeed syndrome (MJDS). Also called: CHRONIC RECURRENT MULTIFOCAL OSTEOMYELITIS 1, WITH CONGENITAL DYSERYTHROPOIETIC ANEMIA, WITH OR WITHOUT NEUTROPHILIC DERMATOSIS; LPIN2-Related Majeed Syndrome. Identifiers: Orphanet 77297, MedGen C1864997, MONDO:0012316, OMIM 609628.

Allele frequency attached by ClinVar (database versions not stated): TOPMed below 0.00001; ExAC 0.00001; gnomAD exomes 0.00001.
gnomAD v4.1: 16 of 1,614,136 alleles (0.00099%); highest among the groups gnomAD compares: Middle Eastern, 0.016%; no homozygotes.

Submission:

Labcorp Genetics (formerly Invitae), Labcorp
Classification: Uncertain significance for Majeed syndrome. Last evaluated: 2021-12-22. Review status: criteria provided, single submitter. Criteria: Invitae Variant Classification Sherloc (09022015). Collection method: clinical testing. Allele origin: germline.
Comment: This sequence change replaces arginine, which is basic and polar, with tryptophan, which is neutral and slightly polar, at codon 299 of the LPIN2 protein (p.Arg299Trp). This variant is present in population databases (rs776274863, gnomAD 0.003%). This variant has not been reported in the literature in individuals affected with LPIN2-related conditions. Algorithms developed to predict the effect of missense changes on protein structure and function are either unavailable or do not agree on the potential impact of this missense change (SIFT: "Tolerated"; PolyPhen-2: "Probably Damaging"; Align-GVGD: "Class C0"). In summary, the available evidence is currently insufficient to determine the role of this variant in disease. Therefore, it has been classified as a Variant of Uncertain Significance.